The following is an entry in ClinVar:

NM_003334.4(UBA1):c.960C>T (p.Phe320=)

Gene: UBA1 (ubiquitin like modifier activating enzyme 1; plus strand). Cytogenetic location: Xp11.3.
Variant type: single nucleotide variant.
Coding change: c.960C>T on transcript NM_003334.4 (MANE Select); coding-DNA position 960, C replaced by T.
Protein change: p.Phe320=; no amino-acid change (phenylalanine 320 retained).
Molecular consequence: synonymous variant.
Genome position (GRCh38, 1-based): chrX:47,202,408, C>T. VCF-style: chrX-47202408-C-T. GRCh37 (hg19) VCF-style: chrX-47061807-C-T.
Other names: c.960C>T, p.Phe320= (NM_153280.3).
Identifiers: ClinVar variation 517807 (VCV000517807.3), dbSNP rs1556788530, ClinGen allele CA516351268.

ClinVar aggregate classification (germline): Likely benign. Review status: criteria provided, multiple submitters, no conflicts (2 of 4 stars). 2 submissions from 2 submitters: Likely benign (2). Last evaluated 2019-07-11.

Conditions:
Inborn genetic diseases. Identifiers: MedGen C0950123, MeSH D030342.

Allele frequency attached by ClinVar (database versions not stated): gnomAD exomes below 0.00001; TOPMed 0.00001.
gnomAD v4.1: 1 of 1,210,761 alleles (0.000083%); highest among the groups gnomAD compares: Non-Finnish European, 0.00011%; no homozygotes.

Submissions (2):

Ambry Genetics
Classification: Likely benign for Inborn genetic diseases. Last evaluated: 2019-07-11. Review status: criteria provided, single submitter. Criteria: Ambry Variant Classification Scheme 2023. Collection method: clinical testing. Allele origin: germline.

GeneDx
Classification: Likely benign. Last evaluated: 2017-03-17. Review status: criteria provided, single submitter. Criteria: GeneDx Variant Classification (06012015). Collection method: clinical testing. Allele origin: germline. Affected: yes.
Comment: This variant is considered likely benign or benign based on one or more of the following criteria: it is a conservative change, it occurs at a poorly conserved position in the protein, it is predicted to be benign by multiple in silico algorithms, and/or has population frequency not consistent with disease.